The following is an entry in ClinVar:

NM_001190274.2(FBXO11):c.963A>G (p.Ile321Met)

Gene: FBXO11 (F-box protein 11; minus strand). Cytogenetic location: 2p16.3.
Variant type: single nucleotide variant.
Coding change: c.963A>G on transcript NM_001190274.2 (MANE Select); coding-DNA position 963, A replaced by G.
Protein change: p.Ile321Met; replaces isoleucine 321 with methionine.
Molecular consequence: missense variant.
Genome position (GRCh38, 1-based): chr2:47,833,042, T>C on the plus strand (A>G on the coding strand, the complement: FBXO11 is on the minus strand). VCF-style: chr2-47833042-T-C. GRCh37 (hg19) VCF-style: chr2-48060181-T-C.
Other names: c.711A>G, p.Ile237Met (NM_001374325.1, NM_025133.4); short protein forms I237M, I321M.
Identifiers: ClinVar variation 2689059 (VCV002689059.4), dbSNP rs752059138, ClinGen allele CA1649971.
Genomic context (GRCh38, chr2:47,833,042, plus strand): 5'-AACATAAGCATCTTCAGAGCCTTCCATAAAAACGAAGGTTGAATCTCTAGTGTTTTCAAT[T>C]ATAACTTTGTCTGCCACTTTCCCAGGTGCTGTGGAGAAGATATTTTAAAGAATATTACCT-3'
Protein context (NP_001177203.1, residues 311-331): AAPGKVADKV[Ile321Met]IENTRDSTFV

ClinVar aggregate classification (germline): Uncertain significance. Review status: criteria provided, multiple submitters, no conflicts (2 of 4 stars). 2 submissions from 2 submitters: Uncertain significance (2). Last evaluated 2024-07-04.

Conditions:
Intellectual developmental disorder with dysmorphic facies and behavioral abnormalities. Identifiers: MedGen C4748135, MONDO:0060760, OMIM 618089.

Allele frequency attached by ClinVar (database versions not stated): gnomAD exomes below 0.00001; ExAC 0.00001.
gnomAD v4.1: 7 of 1,613,434 alleles (0.00043%); highest among the groups gnomAD compares: Middle Eastern, 0.067%; no homozygotes.

Submissions (2):

Labcorp Genetics (formerly Invitae), Labcorp
Classification: Uncertain significance. Last evaluated: 2024-07-04. Review status: criteria provided, single submitter. Criteria: Invitae Variant Classification Sherloc (09022015). Collection method: clinical testing. Allele origin: germline.
Comment: This sequence change replaces isoleucine, which is neutral and non-polar, with methionine, which is neutral and non-polar, at codon 321 of the FBXO11 protein (p.Ile321Met). This variant is present in population databases (rs752059138, gnomAD 0.004%). This variant has not been reported in the literature in individuals affected with FBXO11-related conditions. An algorithm developed to predict the effect of missense changes on protein structure and function (PolyPhen-2) suggests that this variant is likely to be tolerated. In summary, the available evidence is currently insufficient to determine the role of this variant in disease. Therefore, it has been classified as a Variant of Uncertain Significance.

Revvity Omics, Revvity
Classification: Uncertain significance for Intellectual developmental disorder with dysmorphic facies and behavioral abnormalities. Last evaluated: 2023-06-22. Review status: criteria provided, single submitter. Criteria: ACMG Guidelines, 2015. Collection method: clinical testing. Allele origin: germline.